The following is an entry in ClinVar:

NM_000043.6(FAS):c.908T>G (p.Leu303Arg)

Gene: FAS (Fas cell surface death receptor; plus strand). Cytogenetic location: 10q23.31.
Variant type: single nucleotide variant.
Coding change: c.908T>G on transcript NM_000043.6 (MANE Select); coding-DNA position 908, T replaced by G.
Protein change: p.Leu303Arg; replaces leucine 303 with arginine.
Molecular consequence: missense variant. On other transcripts: 3 prime UTR variant (2), non-coding transcript variant (7).
Genome position (GRCh38, 1-based): chr10:89,014,350, T>G. VCF-style: chr10-89014350-T-G. GRCh37 (hg19) VCF-style: chr10-90774107-T-G.
Other names: c.*231T>G (NM_001320619.2); c.953T>G, p.Leu318Arg (NM_001410956.1); c.845T>G, p.Leu282Arg (NM_152871.4); c.*220T>G (NM_152872.4); short protein forms L282R, L303R, L318R.
Identifiers: ClinVar variation 1717510 (VCV001717510.5), dbSNP rs2495229606, ClinGen allele CA377510090.
Genomic context (GRCh38, chr10:89,014,350, plus strand): 5'-AACTTCATGGAAAGAAAGAAGCGTATGACACATTGATTAAAGATCTCAAAAAAGCCAATC[T>G]TTGTACTCTTGCAGAGAAAATTCAGACTATCATCCTCAAGGACATTACTAGTGACTCAGA-3'
Protein context (NP_000034.1, residues 293-313): TLIKDLKKAN[Leu303Arg]CTLAEKIQTI

ClinVar aggregate classification (germline): Uncertain significance (1 of 4 stars; one submission).

Conditions:
Autoimmune lymphoproliferative syndrome type 1. Also called: AUTOIMMUNE LYMPHOPROLIFERATIVE SYNDROME, TYPE I, AUTOSOMAL DOMINANT. Identifiers: Orphanet 3261, MedGen C2717884, MONDO:0011158, OMIM 601859.

Submission:

Labcorp Genetics (formerly Invitae), Labcorp
Classification: Uncertain significance for Autoimmune lymphoproliferative syndrome. Last evaluated: 2022-08-21. Review status: criteria provided, single submitter. Criteria: Invitae Variant Classification Sherloc (09022015). Collection method: clinical testing. Allele origin: germline.
Comment: In summary, the available evidence is currently insufficient to determine the role of this variant in disease. Therefore, it has been classified as a Variant of Uncertain Significance. Algorithms developed to predict the effect of missense changes on protein structure and function are either unavailable or do not agree on the potential impact of this missense change (SIFT: "Not Available"; PolyPhen-2: "Possibly Damaging"; Align-GVGD: "Not Available"). This variant has not been reported in the literature in individuals affected with FAS-related conditions. This variant is not present in population databases (gnomAD no frequency). This sequence change replaces leucine, which is neutral and non-polar, with arginine, which is basic and polar, at codon 303 of the FAS protein (p.Leu303Arg).